The following is an entry in ClinVar:

ClinVar aggregate classification (germline): Uncertain significance (1 of 4 stars; one submission).

Conditions:
Nephronophthisis 14 (NPHP14). Identifiers: Orphanet 2318, MedGen C3539071, MONDO:0013916, OMIM 614844.

Allele frequency attached by ClinVar (database versions not stated): gnomAD exomes 0.00001; ExAC 0.00002.
gnomAD v4.1: 10 of 1,614,046 alleles (0.00062%); highest among the groups gnomAD compares: South Asian, 0.0088%; no homozygotes.

Submission:

Labcorp Genetics (formerly Invitae), Labcorp
Classification: Uncertain significance for Nephronophthisis 14. Last evaluated: 2023-10-13. Review status: criteria provided, single submitter. Criteria: Invitae Variant Classification Sherloc (09022015). Collection method: clinical testing. Allele origin: germline.
Comment: This sequence change replaces aspartic acid, which is acidic and polar, with asparagine, which is neutral and polar, at codon 638 of the ZNF423 protein (p.Asp638Asn). This variant is present in population databases (rs766551710, gnomAD 0.02%). This variant has not been reported in the literature in individuals affected with ZNF423-related conditions. ClinVar contains an entry for this variant (Variation ID: 1954920). Advanced modeling of protein sequence and biophysical properties (such as structural, functional, and spatial information, amino acid conservation, physicochemical variation, residue mobility, and thermodynamic stability) performed at Invitae indicates that this missense variant is not expected to disrupt ZNF423 protein function. In summary, the available evidence is currently insufficient to determine the role of this variant in disease. Therefore, it has been classified as a Variant of Uncertain Significance.

NM_001379286.1(ZNF423):c.1936G>A (p.Asp646Asn)

Gene: ZNF423 (zinc finger protein 423; minus strand). Cytogenetic location: 16q12.1.
Variant type: single nucleotide variant.
Coding change: c.1936G>A on transcript NM_001379286.1 (MANE Select); coding-DNA position 1936, G replaced by A.
Protein change: p.Asp646Asn; replaces aspartic acid 646 with asparagine.
Molecular consequence: missense variant.
Genome position (GRCh38, 1-based): chr16:49,637,240, C>T on the plus strand (G>A on the coding strand, the complement: ZNF423 is on the minus strand). VCF-style: chr16-49637240-C-T. GRCh37 (hg19) VCF-style: chr16-49671151-C-T.
Other names: c.1732G>A, p.Asp578Asn (NM_001271620.2); c.1561G>A, p.Asp521Asn (NM_001330533.2); c.1912G>A, p.Asp638Asn (NM_015069.5); short protein forms D521N, D638N, D578N, D646N.
Identifiers: ClinVar variation 1954920 (VCV001954920.5), dbSNP rs766551710, ClinGen allele CA8046595.
Genomic context (GRCh38, chr16:49,637,240, plus strand): 5'-GCAGCTCCAGGTGCAGCTTCAGGTGGGTCTGGAAGCTCTCAAAGTTGGAGAACTTGAGGT[C>T]GCATTGATTGCAAGGATACTCCCCATTGGAGATGGAGTTGGCGCTTGCTGAGAGCCGCTG-3'
Protein context (NP_001366215.1, residues 636-656): SNGEYPCNQC[Asp646Asn]LKFSNFESFQ